The following is an entry in ClinVar:

ClinVar aggregate classification (germline): Uncertain significance (1 of 4 stars; one submission).

Conditions:
Hyperaldosteronism, familial, type IV (HALD4). Also called: FH IV; ALDOSTERONISM, PRIMARY, AND HYPERTENSION. Identifiers: Orphanet 642671, MedGen C4310756, MONDO:0014875, OMIM 617027.
Idiopathic generalized epilepsy. Also called: EIG; Generalised epilepsy. Identifiers: MedGen C0270850, MONDO:0005579, OMIM 600669.

gnomAD v4.1: 2 of 1,612,484 alleles (0.00012%); highest among the groups gnomAD compares: Non-Finnish European, 0.00017%; no homozygotes.

Submission:

Labcorp Genetics (formerly Invitae), Labcorp
Classification: Uncertain significance for Idiopathic generalized epilepsy; Hyperaldosteronism, familial, type IV. Last evaluated: 2024-03-18. Review status: criteria provided, single submitter. Criteria: Invitae Variant Classification Sherloc (09022015). Collection method: clinical testing. Allele origin: germline.
Comment: This sequence change replaces arginine, which is basic and polar, with methionine, which is neutral and non-polar, at codon 1465 of the CACNA1H protein (p.Arg1465Met). This variant is not present in population databases (gnomAD no frequency). This variant has not been reported in the literature in individuals affected with CACNA1H-related conditions. Advanced modeling of protein sequence and biophysical properties (such as structural, functional, and spatial information, amino acid conservation, physicochemical variation, residue mobility, and thermodynamic stability) performed at Invitae indicates that this missense variant is not expected to disrupt CACNA1H protein function with a negative predictive value of 80%. In summary, the available evidence is currently insufficient to determine the role of this variant in disease. Therefore, it has been classified as a Variant of Uncertain Significance.

NM_021098.3(CACNA1H):c.4394G>T (p.Arg1465Met)

Gene: CACNA1H (calcium voltage-gated channel subunit alpha1 H; plus strand). Cytogenetic location: 16p13.3.
Variant type: single nucleotide variant.
Coding change: c.4394G>T on transcript NM_021098.3 (MANE Select); coding-DNA position 4394, G replaced by T.
Protein change: p.Arg1465Met; replaces arginine 1465 with methionine.
Molecular consequence: missense variant.
Genome position (GRCh38, 1-based): chr16:1,211,524, G>T. VCF-style: chr16-1211524-G-T. GRCh37 (hg19) VCF-style: chr16-1261524-G-T.
Other names: c.4394G>T, p.Arg1465Met (NM_001005407.2); short protein forms R1465M.
Identifiers: ClinVar variation 3755371 (VCV003755371.2).